The following is an entry in ClinVar:

NM_005051.3(QARS1):c.1265A>G (p.Tyr422Cys)

Gene: QARS1 (glutaminyl-tRNA synthetase 1; minus strand). Cytogenetic location: 3p21.31.
Variant type: single nucleotide variant.
Coding change: c.1265A>G on transcript NM_005051.3 (MANE Select); coding-DNA position 1265, A replaced by G.
Protein change: p.Tyr422Cys; replaces tyrosine 422 with cysteine.
Molecular consequence: missense variant. On other transcripts: non-coding transcript variant (1).
Genome position (GRCh38, 1-based): chr3:49,099,991, T>C on the plus strand (A>G on the coding strand, the complement: QARS1 is on the minus strand). VCF-style: chr3-49099991-T-C. GRCh37 (hg19) VCF-style: chr3-49137424-T-C.
Other names: c.1232A>G, p.Tyr411Cys (NM_001272073.2); short protein forms Y411C, Y422C.
Identifiers: ClinVar variation 2808236 (VCV002808236.3), dbSNP rs1352173321, ClinGen allele CA352708630.

ClinVar aggregate classification (germline): Uncertain significance (1 of 4 stars; one submission).

Conditions:
Diffuse cerebral and cerebellar atrophy - intractable seizures - progressive microcephaly syndrome. Also called: Microcephaly, progressive, with seizures and cerebral and cerebellar atrophy. Identifiers: Orphanet 404437, MedGen C4014239, MONDO:0014335, OMIM 615760.

Allele frequency attached by ClinVar (database versions not stated): gnomAD exomes below 0.00001; gnomAD 0.00001.
gnomAD v4.1: 2 of 1,614,024 alleles (0.00012%); highest among the groups gnomAD compares: Admixed American, 0.0017%; no homozygotes.

Submission:

Labcorp Genetics (formerly Invitae), Labcorp
Classification: Uncertain significance for Diffuse cerebral and cerebellar atrophy - intractable seizures - progressive microcephaly syndrome. Last evaluated: 2023-01-03. Review status: criteria provided, single submitter. Criteria: Invitae Variant Classification Sherloc (09022015). Collection method: clinical testing. Allele origin: germline.
Comment: In summary, the available evidence is currently insufficient to determine the role of this variant in disease. Therefore, it has been classified as a Variant of Uncertain Significance. Advanced modeling of protein sequence and biophysical properties (such as structural, functional, and spatial information, amino acid conservation, physicochemical variation, residue mobility, and thermodynamic stability) has been performed at Invitae for this missense variant, however the output from this modeling did not meet the statistical confidence thresholds required to predict the impact of this variant on QARS protein function. This variant has not been reported in the literature in individuals affected with QARS-related conditions. This variant is present in population databases (no rsID available, gnomAD 0.1%). This sequence change replaces tyrosine, which is neutral and polar, with cysteine, which is neutral and slightly polar, at codon 422 of the QARS protein (p.Tyr422Cys).